The following is an entry in ClinVar:

NM_002460.4(IRF4):c.517C>A (p.Pro173Thr)

Gene: IRF4 (interferon regulatory factor 4; plus strand). Cytogenetic location: 6p25.3.
Variant type: single nucleotide variant.
Coding change: c.517C>A on transcript NM_002460.4 (MANE Select); coding-DNA position 517, C replaced by A.
Protein change: p.Pro173Thr; replaces proline 173 with threonine.
Molecular consequence: missense variant. On other transcripts: non-coding transcript variant (1).
Genome position (GRCh38, 1-based): chr6:397,132, C>A. VCF-style: chr6-397132-C-A. GRCh37 (hg19) VCF-style: chr6-397132-C-A.
Other names: c.514C>A, p.Pro172Thr (NM_001195286.2); short protein forms P172T, P173T.
Identifiers: ClinVar variation 3006621 (VCV003006621.3), dbSNP rs2480816639, ClinGen allele CA362547422.

ClinVar aggregate classification (germline): Uncertain significance (1 of 4 stars; one submission).

Allele frequency attached by ClinVar (database versions not stated): gnomAD exomes below 0.00001.
gnomAD v4.1: 1 of 1,614,254 alleles (0.000062%); highest among the groups gnomAD compares: Non-Finnish European, 0.000085%; no homozygotes.

Submission:

Labcorp Genetics (formerly Invitae), Labcorp
Classification: Uncertain significance. Last evaluated: 2023-11-25. Review status: criteria provided, single submitter. Criteria: Invitae Variant Classification Sherloc (09022015). Collection method: clinical testing. Allele origin: germline.
Comment: This sequence change replaces proline, which is neutral and non-polar, with threonine, which is neutral and polar, at codon 173 of the IRF4 protein (p.Pro173Thr). This variant is not present in population databases (gnomAD no frequency). This variant has not been reported in the literature in individuals affected with IRF4-related conditions. An algorithm developed to predict the effect of missense changes on protein structure and function (PolyPhen-2) suggests that this variant is likely to be tolerated. In summary, the available evidence is currently insufficient to determine the role of this variant in disease. Therefore, it has been classified as a Variant of Uncertain Significance.